The following is an entry in ClinVar:

NM_198428.3(BBS9):c.1474A>T (p.Lys492Ter)

Gene: BBS9 (Bardet-Biedl syndrome 9; plus strand). Cytogenetic location: 7p14.3.
Variant type: single nucleotide variant.
Coding change: c.1474A>T on transcript NM_198428.3 (MANE Select); coding-DNA position 1474, A replaced by T.
Protein change: p.Lys492Ter; replaces lysine 492 with a stop codon.
Molecular consequence: nonsense. On other transcripts: non-coding transcript variant (3), intron variant (5).
Genome position (GRCh38, 1-based): chr7:33,351,260, A>T. VCF-style: chr7-33351260-A-T. GRCh37 (hg19) VCF-style: chr7-33390872-A-T.
Other names: c.1474A>T, p.Lys492Ter (NM_001033605.2, NM_001348036.1, NM_001348041.4 and 2 more transcripts); c.1108A>T, p.Lys370Ter (NM_001348037.3, NM_001348045.3, NM_001348046.3); c.1201A>T, p.Lys401Ter (NM_001348038.3); c.1339A>T, p.Lys447Ter (NM_001348042.3); c.1160-1599A>T (NM_001348039.3); c.1433-1599A>T (NM_001033604.2); c.1432+2090A>T (NM_014451.4, NM_001348040.3); c.1067-1599A>T (NM_001348044.3); short protein forms K370*, K401*, K447*, K492*.
Identifiers: ClinVar variation 1073367 (VCV001073367.8), dbSNP rs2128667543, ClinGen allele CA367256017.

ClinVar aggregate classification (germline): Pathogenic/Likely pathogenic. Review status: criteria provided, multiple submitters, no conflicts (2 of 4 stars). 2 submissions from 2 submitters: Pathogenic (1); Likely pathogenic (1). Last evaluated 2024-11-05.

Conditions:
Bardet-Biedl syndrome (BBS). Identifiers: Orphanet 110, MedGen C0752166, MONDO:0015229.
Bardet-Biedl syndrome 9 (BBS9). Identifiers: Orphanet 110, MedGen C1859567, MONDO:0014437, OMIM 615986.

Allele frequency attached by ClinVar (database versions not stated): gnomAD exomes below 0.00001.
gnomAD v4.1: 1 of 1,613,306 alleles (0.000062%); highest among the groups gnomAD compares: Admixed American, 0.0017%; no homozygotes.

Submissions (2):

Labcorp Genetics (formerly Invitae), Labcorp
Classification: Pathogenic for Bardet-Biedl syndrome. Last evaluated: 2024-11-05. Review status: criteria provided, single submitter. Criteria: Invitae Variant Classification Sherloc (09022015). Collection method: clinical testing. Allele origin: germline.
Comment: This sequence change creates a premature translational stop signal (p.Lys492*) in the BBS9 gene. It is expected to result in an absent or disrupted protein product. Loss-of-function variants in BBS9 are known to be pathogenic (PMID: 16380913, 20177705). This variant is not present in population databases (gnomAD no frequency). This variant has not been reported in the literature in individuals affected with BBS9-related conditions. ClinVar contains an entry for this variant (Variation ID: 1073367). Algorithms developed to predict the effect of sequence changes on RNA splicing suggest that this variant may disrupt the consensus splice site. For these reasons, this variant has been classified as Pathogenic.

Fulgent Genetics
Classification: Likely pathogenic for Bardet-Biedl syndrome 9. Last evaluated: 2021-12-27. Review status: criteria provided, single submitter. Criteria: ACMG Guidelines, 2015. Collection method: clinical testing. Allele origin: unknown.

Literature cited by the submitters: PubMed 16380913 (cited by Labcorp Genetics (formerly Invitae), Labcorp); PubMed 20177705 (cited by Labcorp Genetics (formerly Invitae), Labcorp).